The following is an entry in ClinVar:

ClinVar aggregate classification (germline): Uncertain significance. Review status: criteria provided, multiple submitters, no conflicts (2 of 4 stars). 2 submissions from 2 submitters: Uncertain significance (2). Last evaluated 2022-03-18.

Conditions:
Cardiovascular phenotype. Identifiers: MedGen CN230736.
Dilated cardiomyopathy 1O (CMD1O). Also called: CARDIOMYOPATHY, DILATED, WITH VENTRICULAR TACHYCARDIA. Identifiers: Orphanet 154, MedGen C1837839, MONDO:0012062, OMIM 608569.

Submissions (2):

Labcorp Genetics (formerly Invitae), Labcorp
Classification: Uncertain significance for Dilated cardiomyopathy 1O. Last evaluated: 2022-03-18. Review status: criteria provided, single submitter. Criteria: Invitae Variant Classification Sherloc (09022015). Collection method: clinical testing. Allele origin: germline.
Comment: Algorithms developed to predict the effect of missense changes on protein structure and function output the following: SIFT: "Tolerated"; PolyPhen-2: "Benign"; Align-GVGD: "Class C0". The glutamic acid amino acid residue is found in multiple mammalian species, which suggests that this missense change does not adversely affect protein function. This sequence change replaces aspartic acid, which is acidic and polar, with glutamic acid, which is acidic and polar, at codon 962 of the ABCC9 protein (p.Asp962Glu). This variant is not present in population databases (gnomAD no frequency). This variant has not been reported in the literature in individuals affected with ABCC9-related conditions. In summary, the available evidence is currently insufficient to determine the role of this variant in disease. Therefore, it has been classified as a Variant of Uncertain Significance.

Ambry Genetics
Classification: Uncertain significance for Cardiovascular phenotype. Last evaluated: 2021-02-04. Review status: criteria provided, single submitter. Criteria: Ambry Variant Classification Scheme 2023. Collection method: clinical testing. Allele origin: germline.
Comment: The p.D962E variant (also known as c.2886T>G), located in coding exon 24 of the ABCC9 gene, results from a T to G substitution at nucleotide position 2886. The aspartic acid at codon 962 is replaced by glutamic acid, an amino acid with highly similar properties. This amino acid position is not well conserved in available vertebrate species, and glutamic acid is the reference amino acid in other vertebrate species. In addition, this alteration is predicted to be tolerated by in silico analysis. Since supporting evidence is limited at this time, the clinical significance of this alteration remains unclear.

NM_020297.4(ABCC9):c.2886T>G (p.Asp962Glu)

Gene: ABCC9 (ATP binding cassette subfamily C member 9; minus strand). Cytogenetic location: 12p12.1.
Variant type: single nucleotide variant.
Coding change: c.2886T>G on transcript NM_020297.4 (MANE Select); coding-DNA position 2886, T replaced by G.
Protein change: p.Asp962Glu; replaces aspartic acid 962 with glutamic acid.
Molecular consequence: missense variant.
Genome position (GRCh38, 1-based): chr12:21,845,813, A>C on the plus strand (T>G on the coding strand, the complement: ABCC9 is on the minus strand). VCF-style: chr12-21845813-A-C. GRCh37 (hg19) VCF-style: chr12-21998747-A-C.
Other names: c.2886T>G, p.Asp962Glu (NM_001377273.1, NM_005691.4); c.2019T>G, p.Asp673Glu (NM_001377274.1); short protein forms D673E, D962E.
Identifiers: ClinVar variation 1797230 (VCV001797230.7), dbSNP rs780676951, ClinGen allele CA384120596.